The following is an entry in ClinVar:

ClinVar aggregate classification (germline): Likely benign. Review status: criteria provided, multiple submitters, no conflicts (2 of 4 stars). 2 submissions from 2 submitters: Likely benign (2). Last evaluated 2026-08-01.

Conditions:
Biotinidase deficiency. Also called: BTD deficiency; Late-onset biotin-responsive multiple carboxylase deficiency; Biotin deficiency. Identifiers: Orphanet 79241, MedGen C0220754, MONDO:0009665, OMIM 253260.

Allele frequency attached by ClinVar (database versions not stated): TOPMed 0.00001.
gnomAD v4.1: 4 of 1,614,190 alleles (0.00025%); highest among the groups gnomAD compares: Admixed American, 0.0067%; no homozygotes.

Submissions (2):

CeGaT Center for Human Genetics Tuebingen
Classification: Likely benign. Last evaluated: 2026-08-01. Review status: criteria provided, single submitter. Criteria: CeGaT Center For Human Genetics Tuebingen Variant Classification Criteria Version 2. Collection method: clinical testing. Allele origin: germline. Affected: yes. Observed: 1 variant allele.
Comment: BTD: BP4, BP7

Labcorp Genetics (formerly Invitae), Labcorp
Classification: Likely benign for Biotinidase deficiency. Last evaluated: 2025-01-29. Review status: criteria provided, single submitter. Criteria: Invitae Variant Classification Sherloc (09022015). Collection method: clinical testing. Allele origin: germline.

NM_001370658.1(BTD):c.768C>A (p.Leu256=)

Gene: BTD (biotinidase; plus strand). Cytogenetic location: 3p25.1.
Variant type: single nucleotide variant.
Coding change: c.768C>A on transcript NM_001370658.1 (MANE Select); coding-DNA position 768, C replaced by A.
Protein change: p.Leu256=; no amino-acid change (leucine 256 retained).
Molecular consequence: synonymous variant. On other transcripts: intron variant (6).
Genome position (GRCh38, 1-based): chr3:15,644,684, C>A. VCF-style: chr3-15644684-C-A. GRCh37 (hg19) VCF-style: chr3-15686191-C-A.
Other names: c.768C>A, p.Leu256= (NM_001281723.4, NM_001281724.3, NM_001281725.3 and 18 more transcripts); c.399+2627C>A (NM_001370753.1, NM_001407400.1, NM_001407380.1 and 3 more transcripts).
Identifiers: ClinVar variation 792274 (VCV000792274.7), dbSNP rs775730599, ClinGen allele CA432819386.